The following is an entry in ClinVar:

ClinVar aggregate classification (germline): Uncertain significance (1 of 4 stars; one submission).

Submission:

Labcorp Genetics (formerly Invitae), Labcorp
Classification: Uncertain significance. Last evaluated: 2025-01-06. Review status: criteria provided, single submitter. Criteria: Invitae Variant Classification Sherloc (09022015). Collection method: clinical testing. Allele origin: germline.
Comment: This sequence change replaces alanine, which is neutral and non-polar, with glycine, which is neutral and non-polar, at codon 32 of the CYC1 protein (p.Ala32Gly). This variant is not present in population databases (gnomAD no frequency). This variant has not been reported in the literature in individuals affected with CYC1-related conditions. ClinVar contains an entry for this variant (Variation ID: 2795380). An algorithm developed to predict the effect of missense changes on protein structure and function (PolyPhen-2) suggests that this variant is likely to be tolerated. In summary, the available evidence is currently insufficient to determine the role of this variant in disease. Therefore, it has been classified as a Variant of Uncertain Significance.

NM_001916.5(CYC1):c.95C>G (p.Ala32Gly)

Gene: CYC1 (cytochrome c1; plus strand). Cytogenetic location: 8q24.3.
Variant type: single nucleotide variant.
Coding change: c.95C>G on transcript NM_001916.5 (MANE Select); coding-DNA position 95, C replaced by G.
Protein change: p.Ala32Gly; replaces alanine 32 with glycine.
Molecular consequence: missense variant.
Genome position (GRCh38, 1-based): chr8:144,095,194, C>G. VCF-style: chr8-144095194-C-G. GRCh37 (hg19) VCF-style: chr8-145150097-C-G.
Other names: short protein forms A32G.
Identifiers: ClinVar variation 2795380 (VCV002795380.3), dbSNP rs1234243242, ClinGen allele CA372517923.